The following is an entry in ClinVar:

NM_000165.5(GJA1):c.1015G>A (p.Asp339Asn)

Gene: GJA1 (gap junction protein alpha 1; plus strand). Cytogenetic location: 6q22.31.
Variant type: single nucleotide variant.
Coding change: c.1015G>A on transcript NM_000165.5 (MANE Select); coding-DNA position 1015, G replaced by A.
Protein change: p.Asp339Asn; replaces aspartic acid 339 with asparagine.
Molecular consequence: missense variant.
Genome position (GRCh38, 1-based): chr6:121,447,862, G>A. VCF-style: chr6-121447862-G-A. GRCh37 (hg19) VCF-style: chr6-121769008-G-A.
Other names: short protein forms D339N.
Identifiers: ClinVar variation 355162 (VCV000355162.13), dbSNP rs772121642, ClinGen allele CA3981809.
Genomic context (GRCh38, chr6:121,447,862, plus strand): 5'-CGAATGGGGCAGGCGGGAAGCACCATCTCTAACTCCCATGCACAGCCTTTTGATTTCCCC[G>A]ATGATAACCAGAATTCTAAAAAACTAGCTGCTGGACATGAATTACAGCCACTAGCCATTG-3'
Protein context (NP_000156.1, residues 329-349): NSHAQPFDFP[Asp339Asn]DNQNSKKLAA

ClinVar aggregate classification (germline): Uncertain significance. Review status: criteria provided, multiple submitters, no conflicts (2 of 4 stars). 5 submissions from 3 submitters: Uncertain significance (5). Last evaluated 2025-08-30.

Conditions:
Inborn genetic diseases. Identifiers: MedGen C0950123, MeSH D030342.
Oculodentodigital dysplasia (ODDD). Also called: ODD SYNDROME; Oculodentodigital syndrome. Identifiers: Orphanet 2710, MedGen C0812437, MONDO:0008111, OMIM 164200.
Oculodentodigital dysplasia, autosomal recessive. Also called: OCULODENTOOSSEOUS DYSPLASIA, AUTOSOMAL RECESSIVE; ODDD, AUTOSOMAL RECESSIVE; ODOD, AUTOSOMAL RECESSIVE. Identifiers: Orphanet 2710, MedGen C2749477, MONDO:0009768, OMIM 257850.
Hypoplastic left heart syndrome 1 (HLHS1). Identifiers: Orphanet 2248, MedGen C4551854, MONDO:0009433, OMIM 241550.
Syndactyly type 3 (SDTY3). Also called: RING AND LITTLE FINGER SYNDACTYLY; SYNDACTYLY OF FINGERS IV AND V. Identifiers: Orphanet 93404, MedGen C1861366, MONDO:0008514, OMIM 186100.

Allele frequency attached by ClinVar (database versions not stated): ExAC 0.00001; gnomAD 0.00001; gnomAD exomes 0.00001; TOPMed 0.00001.
gnomAD v4.1: 16 of 1,613,666 alleles (0.00099%); highest among the groups gnomAD compares: East Asian, 0.0022%; no homozygotes.

Submissions (5):

Ambry Genetics
Classification: Uncertain significance for Inborn genetic diseases. Last evaluated: 2025-08-30. Review status: criteria provided, single submitter. Criteria: Ambry Variant Classification Scheme 2023. Collection method: clinical testing. Allele origin: germline.

Labcorp Genetics (formerly Invitae), Labcorp
Classification: Uncertain significance for Oculodentodigital dysplasia, autosomal recessive. Last evaluated: 2022-09-01. Review status: criteria provided, single submitter. Criteria: Invitae Variant Classification Sherloc (09022015). Collection method: clinical testing. Allele origin: germline.
Comment: This sequence change replaces aspartic acid, which is acidic and polar, with asparagine, which is neutral and polar, at codon 339 of the GJA1 protein (p.Asp339Asn). Algorithms developed to predict the effect of missense changes on protein structure and function are either unavailable or do not agree on the potential impact of this missense change (SIFT: "Deleterious"; PolyPhen-2: "Benign"; Align-GVGD: "Class C0"). This variant is present in population databases (rs772121642, gnomAD 0.005%). This variant has not been reported in the literature in individuals affected with GJA1-related conditions. ClinVar contains an entry for this variant (Variation ID: 355162). In summary, the available evidence is currently insufficient to determine the role of this variant in disease. Therefore, it has been classified as a Variant of Uncertain Significance.

Illumina Laboratory Services, Illumina
Classification: Uncertain significance for Oculodentodigital dysplasia. Last evaluated: 2018-01-13. Review status: criteria provided, single submitter. Criteria: ICSL Variant Classification Criteria 13 December 2019. Collection method: clinical testing. Allele origin: germline.

Illumina Laboratory Services, Illumina
Classification: Uncertain significance for Hypoplastic left heart syndrome 1. Last evaluated: 2018-01-13. Review status: criteria provided, single submitter. Criteria: ICSL Variant Classification Criteria 13 December 2019. Collection method: clinical testing. Allele origin: germline.

Illumina Laboratory Services, Illumina
Classification: Uncertain significance for Syndactyly type 3. Last evaluated: 2018-01-13. Review status: criteria provided, single submitter. Criteria: ICSL Variant Classification Criteria 13 December 2019. Collection method: clinical testing. Allele origin: germline.